The following is an entry in ClinVar:

ClinVar aggregate classification (germline): Uncertain significance. Review status: criteria provided, multiple submitters, no conflicts (2 of 4 stars). 3 submissions from 3 submitters: Uncertain significance (3). Last evaluated 2026-06-12.

Conditions:
Primary dilated cardiomyopathy (DCM). Also called: Dilated Cardiomyopathy. Identifiers: Orphanet 217604, MedGen C0007193, MeSH D002311, MONDO:0005021, HP:0001644. Inheritance: Various modes of inheritance.

Allele frequency attached by ClinVar (database versions not stated): ExAC 0.00001; TOPMed 0.00002; gnomAD 0.00001.
gnomAD v4.1: 14 of 1,613,908 alleles (0.00087%); highest among the groups gnomAD compares: Non-Finnish European, 0.00017%; no homozygotes.

Submissions (3):

Women's Health and Genetics/Laboratory Corporation of America, LabCorp
Classification: Uncertain significance. Last evaluated: 2026-06-12. Review status: criteria provided, single submitter. Criteria: LabCorp Variant Classification Summary - May 2015. Collection method: clinical testing. Allele origin: germline.

Labcorp Genetics (formerly Invitae), Labcorp
Classification: Uncertain significance for Primary dilated cardiomyopathy. Last evaluated: 2025-08-01. Review status: criteria provided, single submitter. Criteria: Invitae Variant Classification Sherloc (09022015). Collection method: clinical testing. Allele origin: germline.
Comment: This sequence change replaces serine, which is neutral and polar, with isoleucine, which is neutral and non-polar, at codon 966 of the NEBL protein (p.Ser966Ile). This variant is present in population databases (rs760526573, gnomAD 0.02%). This variant has not been reported in the literature in individuals affected with NEBL-related conditions. ClinVar contains an entry for this variant (Variation ID: 2065660). An algorithm developed to predict the effect of missense changes on protein structure and function (PolyPhen-2) suggests that this variant is likely to be disruptive. In summary, the available evidence is currently insufficient to determine the role of this variant in disease. Therefore, it has been classified as a Variant of Uncertain Significance.

Ambry Genetics
Classification: Uncertain significance. Last evaluated: 2024-10-28. Review status: criteria provided, single submitter. Criteria: Ambry Variant Classification Scheme 2023. Collection method: clinical testing. Allele origin: germline.
Comment: The p.S966I variant (also known as c.2897G>T), located in coding exon 28 of the NEBL gene, results from a G to T substitution at nucleotide position 2897. The serine at codon 966 is replaced by isoleucine, an amino acid with dissimilar properties. This amino acid position is conserved. In addition, this alteration is predicted to be tolerated by in silico analysis. Based on the available evidence, the clinical significance of this variant remains unclear.

NM_006393.3(NEBL):c.2897G>T (p.Ser966Ile)

Gene: NEBL (nebulette; minus strand). Cytogenetic location: 10p12.31.
Variant type: single nucleotide variant.
Coding change: c.2897G>T on transcript NM_006393.3 (MANE Select); coding-DNA position 2897, G replaced by T.
Protein change: p.Ser966Ile; replaces serine 966 with isoleucine.
Molecular consequence: missense variant.
Genome position (GRCh38, 1-based): chr10:20,785,895, C>A on the plus strand (G>T on the coding strand, the complement: NEBL is on the minus strand). VCF-style: chr10-20785895-C-A. GRCh37 (hg19) VCF-style: chr10-21074824-C-A.
Other names: c.663G>T, p.Gln221His (NM_001173484.2); c.758G>T, p.Ser253Ile (NM_001377322.1); c.617G>T, p.Ser206Ile (NM_001377323.1); c.608G>T, p.Ser203Ile (NM_001377324.1); c.599G>T, p.Ser200Ile (NM_001377325.1); c.557G>T, p.Ser186Ile (NM_001377326.1, NM_001377327.1, NM_001377328.1); c.665G>T, p.Ser222Ile (NM_213569.2); short protein forms S186I, S253I, S200I, S222I, S966I, S206I, Q221H, S203I.
Identifiers: ClinVar variation 2065660 (VCV002065660.6), dbSNP rs760526573, ClinGen allele CA5432270.